The following is an entry in ClinVar:

ClinVar aggregate classification (germline): Uncertain significance. Review status: criteria provided, multiple submitters, no conflicts (2 of 4 stars). 2 submissions from 2 submitters: Uncertain significance (2). Last evaluated 2024-09-27.

Allele frequency attached by ClinVar (database versions not stated): ExAC 0.00001; TOPMed 0.00002; gnomAD exomes 0.00003.
gnomAD v4.1: 16 of 1,614,136 alleles (0.00099%); highest among the groups gnomAD compares: Admixed American, 0.027%; no homozygotes.

Submissions (2):

Ambry Genetics
Classification: Uncertain significance. Last evaluated: 2024-09-27. Review status: criteria provided, single submitter. Criteria: Ambry Variant Classification Scheme 2023. Collection method: clinical testing. Allele origin: germline.

Labcorp Genetics (formerly Invitae), Labcorp
Classification: Uncertain significance. Last evaluated: 2022-11-10. Review status: criteria provided, single submitter. Criteria: Invitae Variant Classification Sherloc (09022015). Collection method: clinical testing. Allele origin: germline.
Comment: This variant is present in population databases (rs756795716, gnomAD 0.03%). This sequence change replaces isoleucine, which is neutral and non-polar, with leucine, which is neutral and non-polar, at codon 670 of the NUP133 protein (p.Ile670Leu). This variant has not been reported in the literature in individuals affected with NUP133-related conditions. Algorithms developed to predict the effect of missense changes on protein structure and function output the following: SIFT: "Tolerated"; PolyPhen-2: "Benign"; Align-GVGD: "Class C0". The leucine amino acid residue is found in multiple mammalian species, which suggests that this missense change does not adversely affect protein function. In summary, the available evidence is currently insufficient to determine the role of this variant in disease. Therefore, it has been classified as a Variant of Uncertain Significance.

NM_018230.3(NUP133):c.2008A>C (p.Ile670Leu)

Gene: NUP133 (nucleoporin 133; minus strand). Cytogenetic location: 1q42.13.
Variant type: single nucleotide variant.
Coding change: c.2008A>C on transcript NM_018230.3 (MANE Select); coding-DNA position 2008, A replaced by C.
Protein change: p.Ile670Leu; replaces isoleucine 670 with leucine.
Molecular consequence: missense variant.
Genome position (GRCh38, 1-based): chr1:229,470,648, T>G on the plus strand (A>C on the coding strand, the complement: NUP133 is on the minus strand). VCF-style: chr1-229470648-T-G. GRCh37 (hg19) VCF-style: chr1-229606395-T-G.
Other names: c.2008A>C (NM_018230.2); short protein forms I670L.
Identifiers: ClinVar variation 2142225 (VCV002142225.5), dbSNP rs756795716, ClinGen allele CA1443395.
Genomic context (GRCh38, chr1:229,470,648, plus strand): 5'-AAAAGACATCTGCAGGAGTCAGGTTGGATGGGATTTCATACTCCCTCTTGTTCAAAGCAA[T>G]CAATATGGCTGTGTTGACAAGGTCAGAAAGCCGGGAGTGGTGGTTCTTGAGAACAATGGC-3'
Protein context (NP_060700.2, residues 660-680): LSDLVNTAIL[Ile670Leu]ALNKREYEIP